The following is an entry in ClinVar:

NM_001394998.1(TANC2):c.2856C>A (p.Tyr952Ter)

Genes: TANC2 (tetratricopeptide repeat, ankyrin repeat and coiled-coil containing 2; plus strand), LOC105371856 (uncharacterized LOC105371856; minus strand). Cytogenetic location: 17q23.3.
Variant type: single nucleotide variant.
Coding change: c.2856C>A on transcript NM_001394998.1 (MANE Select); coding-DNA position 2856, C replaced by A.
Protein change: p.Tyr952Ter; replaces tyrosine 952 with a stop codon.
Molecular consequence: nonsense.
Genome position (GRCh38, 1-based): chr17:63,389,349, C>A. VCF-style: chr17-63389349-C-A. GRCh37 (hg19) VCF-style: chr17-61466710-C-A.
Other names: c.2634C>A, p.Tyr878Ter (NM_025185.4); short protein forms Y878*, Y952*.
Identifiers: ClinVar variation 1297026 (VCV001297026.4), dbSNP rs2147151004, ClinGen allele CA400532179.

ClinVar aggregate classification (germline): Pathogenic (1 of 4 stars; one submission).

Conditions:
Intellectual developmental disorder with autistic features and language delay, with or without seizures. Identifiers: MedGen C5394447, MONDO:0030051, OMIM 618906.

Submission:

Institute of Human Genetics, University of Leipzig Medical Center
Classification: Pathogenic for Intellectual developmental disorder with autistic features and language delay, with or without seizures. Last evaluated: 2025-11-03. Review status: criteria provided, single submitter. Criteria: ACMG Guidelines, 2015. Collection method: clinical testing. Allele origin: de novo. Inheritance: Autosomal dominant inheritance. Affected: yes.
Comment: Criteria applied: PVS1,PS2_MOD,PM2